The following is an entry in ClinVar:

ClinVar aggregate classification (germline): Likely benign. Review status: criteria provided, multiple submitters, no conflicts (2 of 4 stars). 4 submissions from 4 submitters: Likely benign (4). Last evaluated 2025-12-18.

Conditions:
Inborn genetic diseases. Identifiers: MedGen C0950123, MeSH D030342.
NPC1-related disorder. Also called: NPC1-related condition.
Niemann-Pick disease, type C1. Also called: NIEMANN-PICK DISEASE, VARIANT TYPE C1; NEUROVISCERAL STORAGE DISEASE WITH VERTICAL SUPRANUCLEAR OPHTHALMOPLEGIA; NIEMANN-PICK DISEASE WITH CHOLESTEROL ESTERIFICATION BLOCK; NIEMANN-PICK DISEASE WITHOUT SPHINGOMYELINASE DEFICIENCY; NIEMANN-PICK DISEASE, CHRONIC NEURONOPATHIC FORM. Identifiers: Orphanet 646, MedGen C3179455, MONDO:0009757, OMIM 257220.

gnomAD v4.1: 8 of 1,614,104 alleles (0.0005%); highest among the groups gnomAD compares: Admixed American, 0.0017%; no homozygotes.

Submissions (4):

PreventionGenetics, part of Exact Sciences
Classification: Likely benign for NPC1-related condition. Last evaluated: 2025-12-18. Review status: criteria provided, single submitter. Criteria: ACMG Guidelines, 2015. Collection method: clinical testing. Allele origin: germline.
Comment: This variant is classified as likely benign based on ACMG/AMP sequence variant interpretation guidelines (Richards et al. 2015 PMID: 25741868, with internal and published modifications).

Labcorp Genetics (formerly Invitae), Labcorp
Classification: Likely benign for Niemann-Pick disease, type C1. Last evaluated: 2025-10-21. Review status: criteria provided, single submitter. Criteria: Invitae Variant Classification Sherloc (09022015). Collection method: clinical testing. Allele origin: germline.

Ambry Genetics
Classification: Likely benign for Inborn genetic diseases. Last evaluated: 2023-04-27. Review status: criteria provided, single submitter. Criteria: Ambry Variant Classification Scheme 2023. Collection method: clinical testing. Allele origin: germline.

Breakthrough Genomics
Classification: Likely benign. Review status: criteria provided, single submitter. Criteria: ACMG Guidelines, 2015. Collection method: not provided. Allele origin: germline. Inheritance: Autosomal recessive inheritance. Affected: yes.

NM_000271.5(NPC1):c.3732C>G (p.Leu1244=)

Gene: NPC1 (NPC intracellular cholesterol transporter 1; minus strand). Cytogenetic location: 18q11.2.
Variant type: single nucleotide variant.
Coding change: c.3732C>G on transcript NM_000271.5 (MANE Select); coding-DNA position 3732, C replaced by G.
Protein change: p.Leu1244=; no amino-acid change (leucine 1244 retained).
Molecular consequence: synonymous variant.
Genome position (GRCh38, 1-based): chr18:23,533,377, G>C on the plus strand (C>G on the coding strand, the complement: NPC1 is on the minus strand). VCF-style: chr18-23533377-G-C. GRCh37 (hg19) VCF-style: chr18-21113341-G-C.
Other names: c.3732C>G (NM_000271.4).
Identifiers: ClinVar variation 1550184 (VCV001550184.11), dbSNP rs1621962, ClinGen allele CA8912676.